The following is an entry in ClinVar:

NM_000384.3(APOB):c.13148C>T (p.Ala4383Val)

Gene: APOB (apolipoprotein B; minus strand). Cytogenetic location: 2p24.1.
Variant type: single nucleotide variant.
Coding change: c.13148C>T on transcript NM_000384.3 (MANE Select); coding-DNA position 13148, C replaced by T.
Protein change: p.Ala4383Val; replaces alanine 4383 with valine.
Molecular consequence: missense variant.
Genome position (GRCh38, 1-based): chr2:21,002,274, G>A on the plus strand (C>T on the coding strand, the complement: APOB is on the minus strand). VCF-style: chr2-21002274-G-A. GRCh37 (hg19) VCF-style: chr2-21225146-G-A.
Other names: short protein forms A4383V.
Identifiers: ClinVar variation 3761671 (VCV003761671.2).

ClinVar aggregate classification (germline): Uncertain significance (1 of 4 stars; one submission).

Conditions:
Familial hypobetalipoproteinemia 1. Also called: APOB-Related Familial Hypobetalipoproteinemia; Hypobetalipoproteinemia, normotriglyceridemic; Acanthocytosis with hypobetalipoproteinemia. Identifiers: MedGen C4551990, MONDO:0014252, OMIM 615558.
Hypercholesterolemia, autosomal dominant, type B (FHCL2). Also called: Familial Hypercholesterolemia Type B; APOLIPOPROTEIN B-100, FAMILIAL DEFECTIVE; APOLIPOPROTEIN B-100, FAMILIAL LIGAND-DEFECTIVE; HYPERCHOLESTEROLEMIA, FAMILIAL, DUE TO LIGAND-DEFECTIVE APOLIPOPROTEIN B; Hyperlipoproteinemia Type IIb; Familial hypercholesterolemia 2. Identifiers: MedGen C1704417, MONDO:0007751, OMIM 144010.

gnomAD v4.1: 1 of 1,613,874 alleles (0.000062%); highest among the groups gnomAD compares: Non-Finnish European, 0.000085%; no homozygotes.

Submission:

Labcorp Genetics (formerly Invitae), Labcorp
Classification: Uncertain significance for Familial hypobetalipoproteinemia 1; Hypercholesterolemia, autosomal dominant, type B. Last evaluated: 2024-03-22. Review status: criteria provided, single submitter. Criteria: Invitae Variant Classification Sherloc (09022015). Collection method: clinical testing. Allele origin: germline.
Comment: This sequence change replaces alanine, which is neutral and non-polar, with valine, which is neutral and non-polar, at codon 4383 of the APOB protein (p.Ala4383Val). This variant is not present in population databases (gnomAD no frequency). This variant has not been reported in the literature in individuals affected with APOB-related conditions. Advanced modeling of protein sequence and biophysical properties (such as structural, functional, and spatial information, amino acid conservation, physicochemical variation, residue mobility, and thermodynamic stability) performed at Invitae indicates that this missense variant is not expected to disrupt APOB protein function with a negative predictive value of 95%. In summary, the available evidence is currently insufficient to determine the role of this variant in disease. Therefore, it has been classified as a Variant of Uncertain Significance.